The following is an entry in ClinVar:

ClinVar aggregate classification (germline): Likely benign (1 of 4 stars; one submission).

Submission:

CeGaT Center for Human Genetics Tuebingen
Classification: Likely benign. Last evaluated: 2026-04-01. Review status: criteria provided, single submitter. Criteria: CeGaT Center For Human Genetics Tuebingen Variant Classification Criteria Version 2. Collection method: clinical testing. Allele origin: germline. Affected: yes. Observed: 1 variant allele.
Comment: EXT1: BS1

NM_000127.3(EXT1):c.962+68368CTTC[7]

Gene: EXT1 (exostosin glycosyltransferase 1; minus strand). Cytogenetic location: 8q24.11.
Variant type: Microsatellite.
Coding change: c.962+68368CTTC[7] on transcript NM_000127.3 (MANE Select); seven copies in a row of the 4-base unit CTTC starting at c.962+68368; the reference has 13 copies in a row; six copies, 24 bases deleted.
Molecular consequence: intron variant.
Genome position (GRCh38, 1-based): chr8:118,041,666-118,041,689, GAAGGAAGGAAGGAAGGAAGGAAG deleted on the plus strand (CTTCCTTCCTTCCTTCCTTCCTTC on the coding strand, the reverse complement: EXT1 is on the minus strand); deleting any 24 consecutive bases within chr8:118,041,666-118,041,720 gives the same sequence; the position shown is the placement nearest the transcript's 3' end. VCF-style (leftmost placement, unchanged base first): chr8-118041665-AGAAGGAAGGAAGGAAGGAAGGAAG-A. GRCh37 (hg19) VCF-style: chr8-119053904-AGAAGGAAGGAAGGAAGGAAGGAAG-A.
Identifiers: ClinVar variation 4874103 (VCV004874103.2).